The following is an entry in ClinVar:

ClinVar aggregate classification (germline): Uncertain significance (1 of 4 stars; one submission).

Submission:

GeneDx
Classification: Uncertain significance. Last evaluated: 2025-02-01. Review status: criteria provided, single submitter. Criteria: GeneDx Variant Classification Process June 2021. Collection method: clinical testing. Allele origin: germline. Affected: yes.
Comment: Not observed at significant frequency in large population cohorts (gnomAD); In silico analysis supports that this missense variant has a deleterious effect on protein structure/function; Has not been previously published as pathogenic or benign to our knowledge

NM_000346.4(SOX9):c.877G>A (p.Glu293Lys)

Gene: SOX9 (SRY-box transcription factor 9; plus strand). Cytogenetic location: 17q24.3.
Variant type: single nucleotide variant.
Coding change: c.877G>A on transcript NM_000346.4 (MANE Select); coding-DNA position 877, G replaced by A.
Protein change: p.Glu293Lys; replaces glutamic acid 293 with lysine.
Molecular consequence: missense variant.
Genome position (GRCh38, 1-based): chr17:72,123,734, G>A. VCF-style: chr17-72123734-G-A. GRCh37 (hg19) VCF-style: chr17-70119875-G-A.
Other names: short protein forms E293K.
Identifiers: ClinVar variation 4072792 (VCV004072792.1).